The following is an entry in ClinVar:

NM_006306.4(SMC1A):c.2447G>A (p.Arg816His)

Gene: SMC1A (structural maintenance of chromosomes 1A; minus strand). Cytogenetic location: Xp11.22.
Variant type: single nucleotide variant.
Coding change: c.2447G>A on transcript NM_006306.4 (MANE Select); coding-DNA position 2447, G replaced by A.
Protein change: p.Arg816His; replaces arginine 816 with histidine.
Molecular consequence: missense variant.
Genome position (GRCh38, 1-based): chrX:53,399,704, C>T on the plus strand (G>A on the coding strand, the complement: SMC1A is on the minus strand). VCF-style: chrX-53399704-C-T. GRCh37 (hg19) VCF-style: chrX-53426626-C-T.
Other names: c.2381G>A, p.Arg794His (NM_001281463.1); short protein forms R794H, R816H.
Identifiers: ClinVar variation 284037 (VCV000284037.8), dbSNP rs886044819, ClinGen allele CA10604669.

ClinVar aggregate classification (germline): Conflicting classifications of pathogenicity. Review status: criteria provided, conflicting classifications (1 of 4 stars). 4 submissions from 4 submitters: Likely pathogenic (2); Uncertain significance (2). Last evaluated 2025-12-17.

Conditions:
Congenital muscular hypertrophy-cerebral syndrome (CDLS2). Also called: SMC1A-Related Cornelia de Lange Syndrome; Cornelia de Lange syndrome 2. Identifiers: Orphanet 199, MedGen C1802395, MONDO:0010370, OMIM 300590.

Submissions (4):

Labcorp Genetics (formerly Invitae), Labcorp
Classification: Uncertain significance for Congenital muscular hypertrophy-cerebral syndrome. Last evaluated: 2025-12-17. Review status: criteria provided, single submitter. Criteria: Invitae Variant Classification Sherloc (09022015). Collection method: clinical testing. Allele origin: germline.
Comment: This sequence change replaces arginine, which is basic and polar, with histidine, which is basic and polar, at codon 816 of the SMC1A protein (p.Arg816His). This variant is not present in population databases (gnomAD no frequency). This variant has not been reported in the literature in individuals affected with SMC1A-related conditions. ClinVar contains an entry for this variant (Variation ID: 284037). Invitae Evidence Modeling of protein sequence and biophysical properties (such as structural, functional, and spatial information, amino acid conservation, physicochemical variation, residue mobility, and thermodynamic stability) indicates that this missense variant is expected to disrupt SMC1A protein function with a positive predictive value of 80%. This variant disrupts the p.Arg816 amino acid residue in SMC1A. Other variant(s) that disrupt this residue have been observed in individuals with SMC1A-related conditions (PMID: 17640042, 19701948; internal data), which suggests that this may be a clinically significant amino acid residue. In summary, the available evidence is currently insufficient to determine the role of this variant in disease. Therefore, it has been classified as a Variant of Uncertain Significance.

Blueprint Genetics
Classification: Uncertain significance. Last evaluated: 2024-09-24. Review status: criteria provided, single submitter. Criteria: ACMG Guidelines, 2015. Collection method: clinical testing. Allele origin: germline.

Mendelics
Classification: Likely pathogenic for Congenital muscular hypertrophy-cerebral syndrome. Last evaluated: 2019-05-28. Review status: criteria provided, single submitter. Criteria: Mendelics Assertion Criteria 2017. Collection method: clinical testing. Allele origin: unknown.

Eurofins Ntd Llc (ga)
Classification: Likely pathogenic. Last evaluated: 2017-03-29. Review status: criteria provided, single submitter. Criteria: EGL Classification Definitions 2015. Collection method: clinical testing. Allele origin: germline. Observed: 1 variant allele, 1 heterozygote.

Literature cited by the submitters: PubMed 17640042 (cited by Labcorp Genetics (formerly Invitae), Labcorp); PubMed 19701948 (cited by Labcorp Genetics (formerly Invitae), Labcorp).